The following is an entry in ClinVar:

NM_000127.3(EXT1):c.1388G>T (p.Gly463Val)

Gene: EXT1 (exostosin glycosyltransferase 1; minus strand). Cytogenetic location: 8q24.11.
Variant type: single nucleotide variant.
Coding change: c.1388G>T on transcript NM_000127.3 (MANE Select); coding-DNA position 1388, G replaced by T.
Protein change: p.Gly463Val; replaces glycine 463 with valine.
Molecular consequence: missense variant.
Genome position (GRCh38, 1-based): chr8:117,822,494, C>A on the plus strand (G>T on the coding strand, the complement: EXT1 is on the minus strand). VCF-style: chr8-117822494-C-A. GRCh37 (hg19) VCF-style: chr8-118834733-C-A.
Other names: short protein forms G463V.
Identifiers: ClinVar variation 2421704 (VCV002421704.7), dbSNP rs1314115386, ClinGen allele CA371887312.

ClinVar aggregate classification (germline): Uncertain significance. Review status: criteria provided, multiple submitters, no conflicts (2 of 4 stars). 2 submissions from 2 submitters: Uncertain significance (2). Last evaluated 2023-12-08.

Conditions:
Multiple congenital exostosis (EXT). Also called: Hereditary multiple osteochondromas; Multiple exostoses; Multiple osteochondromas; MULTIPLE CARTILAGINOUS EXOSTOSES; Hereditary multiple exostoses; Hereditary multiple exostosis. Identifiers: Orphanet 321, MedGen C0015306, MONDO:0005508, HP:0002762.
Chondrosarcoma. Also called: Chondrosarcoma, somatic. Identifiers: Orphanet 55880, MedGen C0008479, MONDO:0008977, OMIM 215300, HP:0006765.

Allele frequency attached by ClinVar (database versions not stated): gnomAD 0.00001; TOPMed 0.00001; gnomAD exomes 0.00003.

Submissions (2):

Labcorp Genetics (formerly Invitae), Labcorp
Classification: Uncertain significance for Multiple congenital exostosis. Last evaluated: 2023-12-08. Review status: criteria provided, single submitter. Criteria: Invitae Variant Classification Sherloc (09022015). Collection method: clinical testing. Allele origin: germline.
Comment: This sequence change replaces glycine, which is neutral and non-polar, with valine, which is neutral and non-polar, at codon 463 of the EXT1 protein (p.Gly463Val). This variant is not present in population databases (gnomAD no frequency). This variant has not been reported in the literature in individuals affected with EXT1-related conditions. ClinVar contains an entry for this variant (Variation ID: 2421704). Advanced modeling of protein sequence and biophysical properties (such as structural, functional, and spatial information, amino acid conservation, physicochemical variation, residue mobility, and thermodynamic stability) performed at Invitae indicates that this missense variant is not expected to disrupt EXT1 protein function with a negative predictive value of 80%. In summary, the available evidence is currently insufficient to determine the role of this variant in disease. Therefore, it has been classified as a Variant of Uncertain Significance.

Baylor Genetics
Classification: Uncertain significance for Chondrosarcoma. Last evaluated: 2023-08-17. Review status: criteria provided, single submitter. Criteria: ACMG Guidelines, 2015. Collection method: clinical testing. Allele origin: unknown.